The following is an entry in ClinVar:

NM_000629.3(IFNAR1):c.1434A>G (p.Ile478Met)

Gene: IFNAR1 (interferon alpha and beta receptor subunit 1; plus strand). Cytogenetic location: 21q22.11.
Variant type: single nucleotide variant.
Coding change: c.1434A>G on transcript NM_000629.3 (MANE Select); coding-DNA position 1434, A replaced by G.
Protein change: p.Ile478Met; replaces isoleucine 478 with methionine.
Molecular consequence: missense variant. On other transcripts: intron variant (1).
Genome position (GRCh38, 1-based): chr21:33,353,777, A>G. VCF-style: chr21-33353777-A-G. GRCh37 (hg19) VCF-style: chr21-34726083-A-G.
Other names: c.1434A>G, p.Ile478Met (NM_001384498.1, NM_001384503.1); c.672A>G, p.Ile224Met (NM_001384500.1); c.1419A>G, p.Ile473Met (NM_001384501.1); c.972A>G, p.Ile324Met (NM_001384502.1); c.1227A>G, p.Ile409Met (NM_001384504.1); c.1294+869A>G (NM_001384499.1); short protein forms I324M, I473M, I224M, I409M, I478M.
Identifiers: ClinVar variation 4762488 (VCV004762488.1).
Genomic context (GRCh38, chr21:33,353,777, plus strand): 5'-AGTCTTCTTGAGATGCATCAATTATGTCTTCTTTCCATCACTTAAACCTTCTTCCAGTAT[A>G]GATGAGGTATGTTACTTTTTTTATTTTTTTGTCAACAGCTAGGTAATGAACAGAAAATGT-3'
Protein context (NP_000620.2, residues 468-488): FFPSLKPSSS[Ile478Met]DEYFSEQPLK

ClinVar aggregate classification (germline): Uncertain significance (1 of 4 stars; one submission).

gnomAD v4.1: 6 of 1,563,292 alleles (0.00038%); highest among the groups gnomAD compares: Non-Finnish European, 0.00052%; no homozygotes.

Submission:

Labcorp Genetics (formerly Invitae), Labcorp
Classification: Uncertain significance. Last evaluated: 2025-12-23. Review status: criteria provided, single submitter. Criteria: Invitae Variant Classification Sherloc (09022015). Collection method: clinical testing. Allele origin: germline.
Comment: This sequence change replaces isoleucine, which is neutral and non-polar, with methionine, which is neutral and non-polar, at codon 478 of the IFNAR1 protein (p.Ile478Met). This variant is present in population databases (rs763023172, gnomAD 0.002%). This variant has not been reported in the literature in individuals affected with IFNAR1-related conditions. An algorithm developed to predict the effect of missense changes on protein structure and function outputs the following: PolyPhen-2: "Possibly Damaging". The methionine amino acid residue is found in multiple mammalian species, which suggests that this missense change does not adversely affect protein function. In summary, the available evidence is currently insufficient to determine the role of this variant in disease. Therefore, it has been classified as a Variant of Uncertain Significance.